The following is an entry in ClinVar:

ClinVar aggregate classification (germline): Uncertain significance (1 of 4 stars; one submission).

Conditions:
Severe combined immunodeficiency due to DNA-PKcs deficiency. Also called: IMMUNODEFICIENCY 26 WITH NEUROLOGIC ABNORMALITIES; Immunodeficiency 26 with or without neurologic abnormalities. Identifiers: Orphanet 317425, MedGen C4014833, MONDO:0014423, OMIM 615966.

Allele frequency attached by ClinVar (database versions not stated): TOPMed 0.00002.
gnomAD v4.1: 45 of 1,611,366 alleles (0.0028%); highest among the groups gnomAD compares: African/African-American, 0.0053%; no homozygotes.

Submission:

Labcorp Genetics (formerly Invitae), Labcorp
Classification: Uncertain significance for Severe combined immunodeficiency due to DNA-PKcs deficiency. Last evaluated: 2020-03-05. Review status: criteria provided, single submitter. Criteria: Invitae Variant Classification Sherloc (09022015). Collection method: clinical testing. Allele origin: germline.
Comment: This sequence change replaces valine with methionine at codon 2888 of the PRKDC protein (p.Val2888Met). The valine residue is weakly conserved and there is a small physicochemical difference between valine and methionine. This variant is present in population databases (rs185741285, ExAC 0.01%). This variant has not been reported in the literature in individuals with PRKDC-related conditions. Experimental studies and prediction algorithms are not available or were not evaluated, and the functional significance of this variant is currently unknown. In summary, the available evidence is currently insufficient to determine the role of this variant in disease. Therefore, it has been classified as a Variant of Uncertain Significance.

NM_006904.7(PRKDC):c.8662G>A (p.Val2888Met)

Genes: PRKDC (protein kinase, DNA-activated, catalytic subunit; minus strand), LOC121740717 (Sharpr-MPRA regulatory region 7649; plus strand). Cytogenetic location: 8q11.21.
Variant type: single nucleotide variant.
Coding change: c.8662G>A on transcript NM_006904.7 (MANE Select); coding-DNA position 8662, G replaced by A.
Protein change: p.Val2888Met; replaces valine 2888 with methionine.
Molecular consequence: missense variant.
Genome position (GRCh38, 1-based): chr8:47,826,777, C>T on the plus strand (G>A on the coding strand, the complement: PRKDC is on the minus strand). VCF-style: chr8-47826777-C-T. GRCh37 (hg19) VCF-style: chr8-48739338-C-T.
Other names: c.8662G>A, p.Val2888Met (NM_001081640.2); short protein forms V2888M.
Identifiers: ClinVar variation 1002035 (VCV001002035.1), dbSNP rs185741285, ClinGen allele CA4739769.
Genomic context (GRCh38, chr8:47,826,777, plus strand): 5'-TGGCAGGCAGCTCAGCAGGCAGCAGGCGGAGCAGAGCCTCCTCTAGCAGGCGGATGCCCA[C>T]GGGCTGCTGTAGGCTGGCCAGGCAACCAGCGCTAACAGCCGCTGGGTCGAGGCTCAGCAG-3'
Protein context (NP_008835.5, residues 2878-2898): AGCLASLQQP[Val2888Met]GIRLLEEALL